The following is an entry in ClinVar:

NM_000539.3(RHO):c.1021G>A (p.Glu341Lys)

Gene: RHO (rhodopsin; plus strand). Cytogenetic location: 3q22.1.
Variant type: single nucleotide variant.
Coding change: c.1021G>A on transcript NM_000539.3 (MANE Select); coding-DNA position 1021, G replaced by A.
Protein change: p.Glu341Lys; replaces glutamic acid 341 with lysine.
Molecular consequence: missense variant.
Genome position (GRCh38, 1-based): chr3:129,533,692, G>A. VCF-style: chr3-129533692-G-A. GRCh37 (hg19) VCF-style: chr3-129252535-G-A.
Other names: short protein forms E341K.
Identifiers: ClinVar variation 812033 (VCV000812033.22), dbSNP rs142322202, ClinGen allele CA2607365.
Genomic context (GRCh38, chr3:129,533,692, plus strand): 5'-ATCTGCTGCGGCAAGAACCCACTGGGTGACGATGAGGCCTCTGCTACCGTGTCCAAGACG[G>A]AGACGAGCCAGGTGGCCCCGGCCTAAGACCTGCCTAGGACTCTGTGGCCGACTATAGGCG-3'
Protein context (NP_000530.1, residues 331-348): DEASATVSKT[Glu341Lys]TSQVAPA

ClinVar aggregate classification (germline): Conflicting classifications of pathogenicity. Review status: criteria provided, conflicting classifications (1 of 4 stars). 7 submissions from 7 submitters: Pathogenic (1); Likely pathogenic (2); Uncertain significance (4). Last evaluated 2025-12-30.

Conditions:
RHO-related disorder. Also called: RHO-related condition.
Retinitis pigmentosa 4 (RP4). Also called: RETINITIS PIGMENTOSA, RHODOPSIN-RELATED. Identifiers: Orphanet 791, MedGen C3151001, MONDO:0013395, OMIM 613731.
Retinal disorder. Also called: Retinal disorders; Retinopathy; Retinopathies; Retinal Diseases. Identifiers: MedGen C0035309, MONDO:0005283, HP:0000488.

Allele frequency attached by ClinVar (database versions not stated): gnomAD exomes below 0.00001 and 0.00003; TOPMed below 0.00001; ExAC 0.00001; ESP Exome Variant Server 0.00008.
gnomAD v4.1: 38 of 1,614,068 alleles (0.0024%); highest among the groups gnomAD compares: Non-Finnish European, 0.0031%; no homozygotes.

Submissions (7):

GeneDx
Classification: Uncertain significance. Last evaluated: 2025-12-30. Review status: criteria provided, single submitter. Criteria: GeneDx Variant Classification Process June 2021. Collection method: clinical testing. Allele origin: germline.
Comment: Structure study using computational algorithm suggested that E341K may affect arrestin binding, although there are no in vitro functional studies to support this (PMID: 21094163); In silico analysis suggests that this missense variant does not alter protein structure/function; This variant is associated with the following publications: (PMID: 7724183, 30977563, 21094163, 23950152, 34906470, 38219857, 33406961, Seaborn2025[CaseReport])

Genetics Laboratory, Great Ormond Street Hospital NHS Foundation Trust, North Thames Genomic Laboratory Hub
Classification: Likely pathogenic for Retinal disorders. Last evaluated: 2025-09-12. Review status: criteria provided, single submitter. Criteria: ACGS Best Practice Guidelines for Variant Classification in Rare Disease 2024 v1.2. Collection method: clinical testing. Allele origin: germline. Affected: yes.
Comment: PS4_moderate, PM2_moderate, PM1_supporting, PP4_supporting

Labcorp Genetics (formerly Invitae), Labcorp
Classification: Likely pathogenic. Last evaluated: 2025-04-29. Review status: criteria provided, single submitter. Criteria: Invitae Variant Classification Sherloc (09022015). Collection method: clinical testing. Allele origin: germline.
Comment: This sequence change replaces glutamic acid, which is acidic and polar, with lysine, which is basic and polar, at codon 341 of the RHO protein (p.Glu341Lys). This variant is present in population databases (rs142322202, gnomAD 0.007%). This missense change has been observed in individuals with clinical features of autosomal dominant retinitis pigmentosa (PMID: 34906470, 38219857; internal data). ClinVar contains an entry for this variant (Variation ID: 812033). Invitae Evidence Modeling of protein sequence and biophysical properties (such as structural, functional, and spatial information, amino acid conservation, physicochemical variation, residue mobility, and thermodynamic stability) has been performed for this missense variant. However, the output from this modeling did not meet the statistical confidence thresholds required to predict the impact of this variant on RHO protein function. Experimental studies are conflicting or provide insufficient evidence to determine the effect of this variant on RHO function (PMID: 30977563). In summary, the currently available evidence indicates that the variant is pathogenic, but additional data are needed to prove that conclusively. Therefore, this variant has been classified as Likely Pathogenic.

Blueprint Genetics
Classification: Pathogenic for RHO-related disorders. Last evaluated: 2023-07-06. Review status: criteria provided, single submitter. Criteria: ACMG Guidelines, 2015. Collection method: clinical testing. Allele origin: germline. Affected: yes. Observed: 5 variant alleles.

Ocular Genomics Institute, Massachusetts Eye and Ear
Classification: Uncertain significance for Retinitis pigmentosa 4. Last evaluated: 2021-04-08. Review status: criteria provided, single submitter. Criteria: ACMG Guidelines, 2015. Collection method: research. Allele origin: germline. Affected: yes.
Comment: Through a review of available evidence we were able to apply the following criteria: PM2, PM1. Based on this evidence we have classified this variant as Variant of Uncertain Significance.

Centre for Genomic Medicine, Manchester, Central Manchester University Hospitals
Classification: Uncertain significance for Retinitis pigmentosa 4. Last evaluated: 2020-09-01. Review status: criteria provided, single submitter. Criteria: ACMG Guidelines, 2015. Collection method: clinical testing. Allele origin: germline. Affected: yes. Observed: 4 heterozygotes.

ARUP Laboratories, Molecular Genetics and Genomics, ARUP Laboratories
Classification: Uncertain significance. Last evaluated: 2019-05-23. Review status: criteria provided, single submitter. Criteria: ARUP Molecular Germline Variant Investigation Process. Collection method: clinical testing. Allele origin: germline.
Comment: The RHO c.1021G>A, p.Glu341Lys variant (rs142322202) is reported in the medical literature in at least one individual with autosomal dominant retinitis pigmentosa (Gal 1997, Sullivan 2013). The variant is reported in the general population with an allele frequency of 0.0008% (2/246204 alleles), indicating it is not a common polymorphism. The amino acid at this position is highly conserved but computational analyses (SIFT, PolyPhen-2) predict that this variant is tolerated. However, the amino acid at this position is thought to be involved in arrestin binding (Rokoczy 2011). Due to limited clinical and functional information, the clinical significance of this variant is uncertain. References: Gal A et al. Rhodopsin Mutations in Inherited Retinal Dystrophies and Dysfunctions. Prog Retin Eye Res 1997 Jan 16(1): 51-79. Rakoczy EP et al. Analysis of Disease-Linked Rhodopsin Mutations Based on Structure, Function, and Protein Stability Calculations. J Mol Biol. 2011 Jan 14;405(2):584-606. Sullivan LS et al. Prevalence of mutations in eyeGENE probands with a diagnosis of autosomal dominant retinitis pigmentosa. Invest Ophthalmol Vis Sci. 2013 Sep 19;54(9):6255-61.

Literature cited by the submitters: PubMed 34906470 (cited by Labcorp Genetics (formerly Invitae), Labcorp); PubMed 38219857 (cited by Labcorp Genetics (formerly Invitae), Labcorp); PubMed 30977563 (cited by Labcorp Genetics (formerly Invitae), Labcorp and Ocular Genomics Institute, Massachusetts Eye and Ear); PubMed 21094163 (cited by Ocular Genomics Institute, Massachusetts Eye and Ear).